The following is an entry in ClinVar:

ClinVar aggregate classification (germline): Benign/Likely benign. Review status: criteria provided, multiple submitters, no conflicts (2 of 4 stars). 2 submissions from 2 submitters: Benign (1); Likely benign (1). Last evaluated 2024-10-08.

Conditions:
Hereditary cancer-predisposing syndrome. Also called: Hereditary Cancer Syndrome; Neoplastic Syndromes, Hereditary; Tumor predisposition; Hereditary neoplastic syndrome. Identifiers: Orphanet 140162, MedGen C0027672, MeSH D009386, MONDO:0015356.
Familial cancer of breast. Also called: BREAST CANCER, FAMILIAL; Hereditary breast cancer; hereditary breast carcinoma. Identifiers: Orphanet 227535, MedGen C0346153, MONDO:0016419, OMIM 114480. Disease mechanism: loss of function.

Submissions (2):

Myriad Genetics, Inc.
Classification: Benign for Familial cancer of breast. Last evaluated: 2024-10-08. Review status: criteria provided, single submitter. Criteria: Myriad Autosomal Dominant, Autosomal Recessive and X-Linked Classification Criteria (2023). Collection method: clinical testing. Allele origin: unknown.
Comment: This variant is considered benign. This variant is a silent/synonymous amino acid change and it is not expected to impact splicing.

Ambry Genetics
Classification: Likely benign for Hereditary cancer-predisposing syndrome. Last evaluated: 2017-09-19. Review status: criteria provided, single submitter. Criteria: Ambry Variant Classification Scheme 2023. Collection method: clinical testing. Allele origin: germline.

NM_007194.4(CHEK2):c.1561C>A (p.Arg521=)

Gene: CHEK2 (checkpoint kinase 2; minus strand). Cytogenetic location: 22q12.1.
Variant type: single nucleotide variant.
Coding change: c.1561C>A on transcript NM_007194.4 (MANE Select); coding-DNA position 1561, C replaced by A.
Protein change: p.Arg521=; no amino-acid change (arginine 521 retained).
Molecular consequence: synonymous variant.
Genome position (GRCh38, 1-based): chr22:28,687,968, G>T on the plus strand (C>A on the coding strand, the complement: CHEK2 is on the minus strand). VCF-style: chr22-28687968-G-T. GRCh37 (hg19) VCF-style: chr22-29083956-G-T.
Other names: c.1690C>A, p.Arg564= (NM_001005735.3); c.898C>A, p.Arg300= (NM_001257387.3); c.1360C>A, p.Arg454= (NM_001349956.3); c.1474C>A, p.Arg492= (NM_145862.3).
Identifiers: ClinVar variation 479606 (VCV000479606.6), dbSNP rs533475838, ClinGen allele CA513944674.
Genomic context (GRCh38, chr22:28,687,968, plus strand): 5'-CAGCACACACAGCTGGGCGCTTTGTGGTCTCGGCACCCTCGGCTTCCCCTTCACGGGGCC[G>T]CTTTCGACTAGTAGAAGGCTGAAAATAAAGGAAAATGGAGAAATGTTCAAAAGAAAATCA-3'
Protein context (NP_009125.1, residues 511-531): VLAQPSTSRK[Arg521=]PREGEAEGAE